The following is an entry in ClinVar:

ClinVar aggregate classification (germline): Uncertain significance (1 of 4 stars; one submission).

Conditions:
Immunodeficiency 14 (IMD14A). Also called: p110-DELTA-ACTIVATING MUTATION CAUSING SENESCENT T CELLS, LYMPHADENOPATHY, AND IMMUNODEFICIENCY; IMMUNODEFICIENCY 14A WITH LYMPHOPROLIFERATION, AUTOSOMAL DOMINANT; ACTIVATED PI3K-DELTA SYNDROME 1; Activated PI3K Delta Syndrome Type 1 (APDS1). Identifiers: Orphanet 397596, Orphanet 693661, MedGen C5907821, MONDO:0014222, OMIM 615513.

Allele frequency attached by ClinVar (database versions not stated): ESP Exome Variant Server 0.00008; gnomAD exomes 0.00001 and 0.00004; ExAC 0.00006; gnomAD 0.00017 and 0.00019; TOPMed 0.00020.
gnomAD v4.1: 39 of 1,612,722 alleles (0.0024%); highest among the groups gnomAD compares: African/African-American, 0.044%; no homozygotes.

Submission:

Labcorp Genetics (formerly Invitae), Labcorp
Classification: Uncertain significance for Activated PI3K-delta syndrome. Last evaluated: 2025-08-02. Review status: criteria provided, single submitter. Criteria: Invitae Variant Classification Sherloc (09022015). Collection method: clinical testing. Allele origin: germline.
Comment: This sequence change falls in intron 3 of the PIK3CD gene. It does not directly change the encoded amino acid sequence of the PIK3CD protein. It affects a nucleotide within the consensus splice site. This variant is present in population databases (rs201635199, gnomAD 0.07%). This variant has not been reported in the literature in individuals affected with PIK3CD-related conditions. ClinVar contains an entry for this variant (Variation ID: 653557). Variants that disrupt the consensus splice site are a relatively common cause of aberrant splicing (PMID: 17576681, 9536098). Algorithms developed to predict the effect of sequence changes on RNA splicing suggest that this variant is not likely to affect RNA splicing. In summary, the available evidence is currently insufficient to determine the role of this variant in disease. Therefore, it has been classified as a Variant of Uncertain Significance.

Literature cited by the submitters: PubMed 17576681; PubMed 9536098.

NM_005026.5(PIK3CD):c.142-3C>T

Gene: PIK3CD (phosphatidylinositol-4,5-bisphosphate 3-kinase catalytic subunit delta; plus strand). Cytogenetic location: 1p36.22.
Variant type: single nucleotide variant.
Coding change: c.142-3C>T on transcript NM_005026.5 (MANE Select); 3 bases into the intron before coding-DNA position 142, C replaced by T.
Molecular consequence: intron variant.
Genome position (GRCh38, 1-based): chr1:9,715,538, C>T. VCF-style: chr1-9715538-C-T. GRCh37 (hg19) VCF-style: chr1-9775596-C-T.
Other names: c.142-3C>T (LRG_191t1, NM_001350234.2, NM_001350235.1).
Identifiers: ClinVar variation 653557 (VCV000653557.7), dbSNP rs201635199, ClinGen allele CA576802.